The following continues an entry in ClinVar:

NM_025216.3(WNT10A):c.321C>A (p.Cys107Ter)

Gene: WNT10A. ClinVar aggregate classification (germline): Pathogenic/Likely pathogenic. Pathogenic (27); Likely pathogenic (1).

Submissions 25 to 40 of 40:

Fulgent Genetics
Classification: Pathogenic for Tooth agenesis, selective, 4; Schöpf-Schulz-Passarge syndrome; Odonto-onycho-dermal dysplasia. Last evaluated: 2018-10-31. Review status: criteria provided, single submitter. Criteria: ACMG Guidelines, 2015. Collection method: clinical testing. Allele origin: unknown.

Illumina Laboratory Services, Illumina
Classification: Pathogenic for WNT10A-Related Disorders. Last evaluated: 2018-10-31. Review status: criteria provided, single submitter. Criteria: ICSL Variant Classification Criteria 09 May 2019. Collection method: clinical testing. Allele origin: germline.
Comment: The WNT10A c.321C>A (p.Cys107Ter) variant is a stop-gained variant that is predicted to result in a premature termination of the protein. Across a selection of the available literature involving probands with WNT10A-related disorders consisting of a spectrum of phenotypes including odontoonychodermal dysplasia, Schopf-Schulz-Passarge syndrome and selective tooth agenesis, the variant was found in a homozygous state in 12 individuals, in a compound heterozygous state in a total of 30 individuals, and in 29 symptomatic heterozygous individuals (Bohring et al. 2009; Petrof et al. 2011; Van den Boogaard et al. 2012; Mostowska et al. 2013; Clauss et al. 2014; Tziotzios et al. 2014; Vink et al. 2014; Arzoo et al. 2014). The variant was absent from 800 control subjects but is reported at a frequency of 0.00140 in the European American population of the Exome Sequencing Project. Due to the potential impact of stop-gained variants and available evidence, the p.Cys107Ter variant is classified as pathogenic for WNT10A-related disorders. This variant was observed by ICSL as part of a predisposition screen in an ostensibly healthy population.

Eurofins Ntd Llc (ga)
Classification: Pathogenic. Last evaluated: 2016-08-17. Review status: criteria provided, single submitter. Criteria: EGL Classification Definitions 2015. Collection method: clinical testing. Allele origin: germline. Observed: 2 variant alleles, 2 heterozygotes.

Institute of Human Genetics, University Hospital of Duesseldorf
Classification: Pathogenic for Odonto-onycho-dermal dysplasia. Review status: criteria provided, single submitter. Criteria: ACMG Guidelines, 2015. Collection method: not provided. Allele origin: germline. Inheritance: Autosomal recessive inheritance. Affected: yes.

Clinical Genetics Laboratory, University Hospital Schleswig-Holstein
Classification: Pathogenic for Tooth agenesis, selective, 4. Last evaluated: 2021-08-04. Review status: no assertion criteria provided. Collection method: clinical testing. Allele origin: germline. Affected: yes. Not counted in ClinVar's aggregate classification.

Molecular Genetics Laboratory, BC Children's and BC Women's Hospitals
Classification: Pathogenic. Last evaluated: 2018-06-25. Review status: no assertion criteria provided. Criteria: ACMG Guidelines, 2015. Collection method: clinical testing. Allele origin: de novo. Affected: yes. Not counted in ClinVar's aggregate classification.

Division of Human Genetics, Children's Hospital of Philadelphia
Classification: Pathogenic for Tooth agenesis, selective, 4; Odonto-onycho-dermal dysplasia; Schöpf-Schulz-Passarge syndrome. Last evaluated: 2016-08-13. Review status: no assertion criteria provided. Collection method: research. Allele origin: germline. Study: CSER-PediSeq. Not counted in ClinVar's aggregate classification.

OMIM
Classification: Pathogenic for ODONTOONYCHODERMAL DYSPLASIA. Last evaluated: 2012-05-01. Review status: no assertion criteria provided. Collection method: literature only. Allele origin: germline. Not counted in ClinVar's aggregate classification.

OMIM
Classification: Pathogenic for SCHOPF-SCHULZ-PASSARGE SYNDROME. Last evaluated: 2012-05-01. Review status: no assertion criteria provided. Collection method: literature only. Allele origin: germline. Not counted in ClinVar's aggregate classification.

OMIM
Classification: Pathogenic for TOOTH AGENESIS, SELECTIVE 4. Last evaluated: 2012-05-01. Review status: no assertion criteria provided. Collection method: literature only. Allele origin: germline. Not counted in ClinVar's aggregate classification.

Clinical Genetics DNA and cytogenetics Diagnostics Lab, Erasmus MC, Erasmus Medical Center
Classification: Pathogenic. Review status: no assertion criteria provided. Collection method: clinical testing. Allele origin: germline. Affected: yes. Study: VKGL Data-share Consensus. Not counted in ClinVar's aggregate classification.

Diagnostic Laboratory, Department of Genetics, University Medical Center Groningen
Classification: Pathogenic. Review status: no assertion criteria provided. Collection method: clinical testing. Allele origin: germline. Affected: yes. Study: VKGL Data-share Consensus. Not counted in ClinVar's aggregate classification.

GeneReviews
No classification provided. Condition: Ectodermal dysplasia. Review status: no classification provided. Collection method: literature only. Allele origin: germline. Not counted in ClinVar's aggregate classification.

Genome Diagnostics Laboratory, Amsterdam University Medical Center
Classification: Pathogenic. Review status: no assertion criteria provided. Collection method: clinical testing. Allele origin: germline. Affected: yes. Study: VKGL Data-share Consensus. Not counted in ClinVar's aggregate classification.

Genome Diagnostics Laboratory, University Medical Center Utrecht
Classification: Pathogenic. Review status: no assertion criteria provided. Collection method: clinical testing. Allele origin: germline. Affected: yes. Study: VKGL Data-share Consensus. Not counted in ClinVar's aggregate classification.

Joint Genome Diagnostic Labs from Nijmegen and Maastricht, Radboudumc and MUMC+
Classification: Pathogenic. Review status: no assertion criteria provided. Collection method: clinical testing. Allele origin: germline. Affected: yes. Study: VKGL Data-share Consensus. Not counted in ClinVar's aggregate classification.

Literature cited by the submitters: PubMed 17847007 (cited by Labcorp Genetics (formerly Invitae), Labcorp); PubMed 22581971 (cited by 3 submitters); PubMed 25629078 (cited by 5 submitters); PubMed 19559398 (cited by 9 submitters); PubMed 23167694 (cited by 5 submitters); PubMed 24398796 (cited by 6 submitters); PubMed 25545742 (cited by Labcorp Genetics (formerly Invitae), Labcorp and Dasa); PubMed 29178643 (cited by Variantyx, Inc.); PubMed 20163410 (cited by Variantyx, Inc.); PubMed 21279306 (cited by Variantyx, Inc. and Dasa); PubMed 30426266 (cited by Victorian Clinical Genetics Services, Murdoch Childrens Research Institute); PubMed 24702986 (cited by 3 submitters); PubMed 25356970 (cited by Ambry Genetics); PubMed 27881089 (cited by Ambry Genetics); PubMed 28105635 (cited by Dasa); PubMed 26964878 (cited by Dasa and GeneReviews); PubMed 24902757 (cited by 3 submitters); PubMed 24449199 (cited by Dasa and Illumina Laboratory Services, Illumina); PubMed 21834823 (cited by Illumina Laboratory Services, Illumina); PubMed 23401279 (cited by OMIM).